The following is an entry in ClinVar:

ClinVar aggregate classification (germline): Pathogenic (1 of 4 stars; one submission).

Conditions:
Pigmentary pallidal degeneration (NBIA1). Also called: Neuroaxonal dystrophy, late infantile; Hallervorden-Spatz disease; HARP SYNDROME; PKAN NEUROAXONAL DYSTROPHY, JUVENILE-ONSET; Pantothenate Kinase-Associated Neurodegeneration; Neurodegeneration with brain iron accumulation 1. Identifiers: Orphanet 157850, MedGen C0018523, MONDO:0009319, OMIM 234200.

Submission:

Labcorp Genetics (formerly Invitae), Labcorp
Classification: Pathogenic for Pigmentary pallidal degeneration. Last evaluated: 2023-04-09. Review status: criteria provided, single submitter. Criteria: Invitae Variant Classification Sherloc (09022015). Collection method: clinical testing. Allele origin: germline.
Comment: This variant has not been reported in the literature in individuals affected with PANK2-related conditions. For these reasons, this variant has been classified as Pathogenic. This variant is not present in population databases (gnomAD no frequency). This sequence change creates a premature translational stop signal (p.Thr234Lysfs*16) in the PANK2 gene. It is expected to result in an absent or disrupted protein product. Loss-of-function variants in PANK2 are known to be pathogenic (PMID: 11479594, 12510040).

Literature cited by the submitters: PubMed 11479594; PubMed 12510040.

NM_001386393.1(PANK2):c.371_380del (p.Thr124fs)

Gene: PANK2 (pantothenate kinase 2; plus strand). Cytogenetic location: 20p13.
Variant type: Deletion.
Coding change: c.371_380del on transcript NM_001386393.1 (MANE Select); coding-DNA positions 371 to 380, 10 bases deleted (CTGCTGAAGA; older notation c.371_380delCTGCTGAAGA).
Protein change: p.Thr124fs; shifts the reading frame from threonine 124.
Molecular consequence: frameshift variant. On other transcripts: non-coding transcript variant (1), 5 prime UTR variant (4).
Genome position (GRCh38, 1-based): chr20:3,907,998-3,908,007, CTGCTGAAGA deleted; deleting any 10 consecutive bases within chr20:3,907,997-3,908,007 gives the same sequence; the c. name uses the placement nearest the transcript's 3' end. VCF-style (leftmost placement, unchanged base first): chr20-3907996-CACTGCTGAAG-C. GRCh37 (hg19) VCF-style: chr20-3888643-CACTGCTGAAG-C.
Other names: c.-173_-164del (NM_153640.4, NM_001324191.2, NM_024960.6); c.701_710del, p.Thr234fs (NM_001324192.1, NM_153638.4); c.-465_-456del (NM_001324193.2); short protein forms T124fs, T234fs.
Identifiers: ClinVar variation 2994215 (VCV002994215.3), dbSNP rs2515489787, ClinGen allele CA2651766226.